The following is an entry in ClinVar:

ClinVar aggregate classification (germline): Uncertain significance (1 of 4 stars; one submission).

Conditions:
MHC class II deficiency. Also called: Bare lymphocyte syndrome 2; BLS, TYPE II. Identifiers: Orphanet 572, MedGen C5447452, MONDO:0008855.

Allele frequency attached by ClinVar (database versions not stated): TOPMed 0.00002.
gnomAD v4.1: 4 of 1,587,312 alleles (0.00025%); highest among the groups gnomAD compares: East Asian, 0.0022%; no homozygotes.

Submission:

Labcorp Genetics (formerly Invitae), Labcorp
Classification: Uncertain significance for MHC class II deficiency. Last evaluated: 2021-08-27. Review status: criteria provided, single submitter. Criteria: Invitae Variant Classification Sherloc (09022015). Collection method: clinical testing. Allele origin: germline.
Comment: This sequence change replaces arginine with cysteine at codon 832 of the CIITA protein (p.Arg832Cys). The arginine residue is weakly conserved and there is a large physicochemical difference between arginine and cysteine. This variant is present in population databases (rs778521786, ExAC 0.009%). This variant has not been reported in the literature in individuals affected with CIITA-related conditions. Algorithms developed to predict the effect of missense changes on protein structure and function output the following: SIFT: "Tolerated"; PolyPhen-2: "Benign"; Align-GVGD: "Class C0". The cysteine amino acid residue is found in multiple mammalian species, which suggests that this missense change does not adversely affect protein function. In summary, the available evidence is currently insufficient to determine the role of this variant in disease. Therefore, it has been classified as a Variant of Uncertain Significance.

NM_000246.4(CIITA):c.2494C>T (p.Arg832Cys)

Gene: CIITA (class II major histocompatibility complex transactivator; plus strand). Cytogenetic location: 16p13.13.
Variant type: single nucleotide variant.
Coding change: c.2494C>T on transcript NM_000246.4 (MANE Select); coding-DNA position 2494, C replaced by T.
Protein change: p.Arg832Cys; replaces arginine 832 with cysteine.
Molecular consequence: missense variant. On other transcripts: intron variant (1).
Genome position (GRCh38, 1-based): chr16:10,907,986, C>T. VCF-style: chr16-10907986-C-T. GRCh37 (hg19) VCF-style: chr16-11001843-C-T.
Other names: c.2497C>T, p.Arg833Cys (NM_001286402.1, NM_001379332.1); c.2350C>T, p.Arg784Cys (NM_001379330.1); c.2347C>T, p.Arg783Cys (NM_001379331.1); c.2494C>T, p.Arg832Cys (NM_001379333.1); c.2425C>T, p.Arg809Cys (NM_001379334.1); c.860-997C>T (NM_001286403.2); short protein forms R783C, R809C, R832C, R784C, R833C.
Identifiers: ClinVar variation 933689 (VCV000933689.7), dbSNP rs778521786, ClinGen allele CA7900390.